The following is an entry in ClinVar:

ClinVar aggregate classification (germline): Uncertain significance (1 of 4 stars; one submission).

Conditions:
Sotos syndrome (SOTOS). Also called: CHROMOSOME 5q35 DELETION SYNDROME; SOTOS SYNDROME 1; CEREBRAL GIGANTISM; Sotos' syndrome; Distinctive facial appearance, overgrowth in childhood, and learning disabilities or delayed development. Identifiers: Orphanet 821, MedGen C0175695, MONDO:0019349, OMIM 117550.

Submission:

Laboratorio de Genetica e Diagnostico Molecular, Hospital Israelita Albert Einstein
Classification: Uncertain significance for Sotos syndrome. Last evaluated: 2025-05-19. Review status: criteria provided, single submitter. Criteria: ACMG Guidelines, 2015. Collection method: clinical testing. Allele origin: germline. Affected: yes.
Comment: ACMG classification criteria: PM2 supporting, PP2 supporting, BP4 supporting

NM_022455.5(NSD1):c.1237G>T (p.Val413Phe)

Gene: NSD1 (nuclear receptor binding SET domain protein 1; plus strand). Cytogenetic location: 5q35.3.
Variant type: single nucleotide variant.
Coding change: c.1237G>T on transcript NM_022455.5 (MANE Select); coding-DNA position 1237, G replaced by T.
Protein change: p.Val413Phe; replaces valine 413 with phenylalanine.
Molecular consequence: missense variant.
Genome position (GRCh38, 1-based): chr5:177,209,636, G>T. VCF-style: chr5-177209636-G-T. GRCh37 (hg19) VCF-style: chr5-176636637-G-T.
Other names: c.364G>T, p.Val122Phe (NM_001365684.2, NM_001409306.1, NM_001409307.1 and 3 more transcripts); c.1237G>T, p.Val413Phe (NM_001409301.1, NM_001409302.1, NM_001409303.1); c.817G>T, p.Val273Phe (NM_001409304.1); c.484G>T, p.Val162Phe (NM_001409305.1); short protein forms V122F, V162F, V273F, V413F.
Identifiers: ClinVar variation 4056678 (VCV004056678.1).